The following is an entry in ClinVar:

ClinVar aggregate classification (germline): Conflicting classifications of pathogenicity. Review status: criteria provided, conflicting classifications (1 of 4 stars). 2 submissions from 2 submitters: Uncertain significance (1); Benign (1). Last evaluated 2025-12-25.

Conditions:
Primary ciliary dyskinesia. Also called: Ciliary dyskinesia. Identifiers: Orphanet 244, MedGen C0008780, MONDO:0016575, HP:0012265.

Allele frequency attached by ClinVar (database versions not stated): ExAC 0.00005.
gnomAD v4.1: 113 of 1,613,962 alleles (0.007%); highest among the groups gnomAD compares: Admixed American, 0.018%; no homozygotes.

Submissions (2):

Labcorp Genetics (formerly Invitae), Labcorp
Classification: Benign for Primary ciliary dyskinesia. Last evaluated: 2025-12-25. Review status: criteria provided, single submitter. Criteria: Invitae Variant Classification Sherloc (09022015). Collection method: clinical testing. Allele origin: germline.

Ambry Genetics
Classification: Uncertain significance for Primary ciliary dyskinesia. Last evaluated: 2017-11-16. Review status: criteria provided, single submitter. Criteria: Ambry Variant Classification Scheme 2023. Collection method: clinical testing. Allele origin: germline.
Comment: The p.V3161F variant (also known as c.9481G>T), located in coding exon 56 of the DNAH5 gene, results from a G to T substitution at nucleotide position 9481. The valine at codon 3161 is replaced by phenylalanine, an amino acid with highly similar properties. This amino acid position is not well conserved in available vertebrate species. In addition, this alteration is predicted to be tolerated by in silico analysis. Since supporting evidence is limited at this time, the clinical significance of this alteration remains unclear.

NM_001369.3(DNAH5):c.9481G>T (p.Val3161Phe)

Gene: DNAH5 (dynein axonemal heavy chain 5; minus strand). Cytogenetic location: 5p15.2.
Variant type: single nucleotide variant.
Coding change: c.9481G>T on transcript NM_001369.3 (MANE Select); coding-DNA position 9481, G replaced by T.
Protein change: p.Val3161Phe; replaces valine 3161 with phenylalanine.
Molecular consequence: missense variant.
Genome position (GRCh38, 1-based): chr5:13,770,873, C>A on the plus strand (G>T on the coding strand, the complement: DNAH5 is on the minus strand). VCF-style: chr5-13770873-C-A. GRCh37 (hg19) VCF-style: chr5-13770982-C-A.
Other names: short protein forms V3161F.
Identifiers: ClinVar variation 1767100 (VCV001767100.7), dbSNP rs773045896, ClinGen allele CA3202537.